The following is an entry in ClinVar:

ClinVar aggregate classification (germline): Uncertain significance. Review status: criteria provided, multiple submitters, no conflicts (2 of 4 stars). 2 submissions from 2 submitters: Uncertain significance (2). Last evaluated 2025-03-07.

Allele frequency attached by ClinVar (database versions not stated): ExAC 0.00001; gnomAD exomes 0.00001; gnomAD 0.00005; TOPMed 0.00009.
gnomAD v4.1: 29 of 1,613,572 alleles (0.0018%); highest among the groups gnomAD compares: Admixed American, 0.012%; no homozygotes.

Submissions (2):

Labcorp Genetics (formerly Invitae), Labcorp
Classification: Uncertain significance. Last evaluated: 2025-03-07. Review status: criteria provided, single submitter. Criteria: Invitae Variant Classification Sherloc (09022015). Collection method: clinical testing. Allele origin: germline.
Comment: This sequence change replaces leucine, which is neutral and non-polar, with valine, which is neutral and non-polar, at codon 729 of the SUCO protein (p.Leu729Val). This variant is present in population databases (rs757063370, gnomAD 0.003%). This variant has not been reported in the literature in individuals affected with SUCO-related conditions. ClinVar contains an entry for this variant (Variation ID: 1503413). An algorithm developed to predict the effect of missense changes on protein structure and function outputs the following: PolyPhen-2: "Benign". The valine amino acid residue is found in multiple mammalian species, which suggests that this missense change does not adversely affect protein function. In summary, the available evidence is currently insufficient to determine the role of this variant in disease. Therefore, it has been classified as a Variant of Uncertain Significance.

Ambry Genetics
Classification: Uncertain significance. Last evaluated: 2025-01-27. Review status: criteria provided, single submitter. Criteria: Ambry Variant Classification Scheme 2023. Collection method: clinical testing. Allele origin: germline.

NM_014283.5(SUCO):c.2185C>G (p.Leu729Val)

Gene: SUCO (SUN domain containing ossification factor; plus strand). Cytogenetic location: 1q24.3.
Variant type: single nucleotide variant.
Coding change: c.2185C>G on transcript NM_014283.5 (MANE Select); coding-DNA position 2185, C replaced by G.
Protein change: p.Leu729Val; replaces leucine 729 with valine.
Molecular consequence: missense variant. On other transcripts: intron variant (1).
Genome position (GRCh38, 1-based): chr1:172,589,286, C>G. VCF-style: chr1-172589286-C-G. GRCh37 (hg19) VCF-style: chr1-172558426-C-G.
Other names: c.2185C>G (NM_014283.3); c.496C>G, p.Leu166Val (NM_001282751.2); c.2638C>G, p.Leu880Val (NM_016227.4); c.1712+362C>G (NM_001282750.2); short protein forms L166V, L880V, L729V.
Identifiers: ClinVar variation 1503413 (VCV001503413.7), dbSNP rs757063370, ClinGen allele CA1247034.
Genomic context (GRCh38, chr1:172,589,286, plus strand): 5'-GATGACTTGGTGAATCACACTGTAGATGCAGTTGAACTTGAACCAAGCCATTCTCAAACT[C>G]TTTCTCAGTCTCTTCTTTTAGATATTACCCCAGAAATCAATCCCTTGCCTAAAATAGAAG-3'
Protein context (NP_055098.1, residues 719-739): VELEPSHSQT[Leu729Val]SQSLLLDITP